The following is an entry in ClinVar:

NM_018669.6(WDR4):c.499G>T (p.Glu167Ter)

Gene: WDR4 (WDR4 tRNA N7-guanosine methyltransferase non-catalytic subunit; minus strand). Cytogenetic location: 21q22.3.
Variant type: single nucleotide variant.
Coding change: c.499G>T on transcript NM_018669.6 (MANE Select); coding-DNA position 499, G replaced by T.
Protein change: p.Glu167Ter; replaces glutamic acid 167 with a stop codon.
Molecular consequence: nonsense. On other transcripts: non-coding transcript variant (1).
Genome position (GRCh38, 1-based): chr21:42,862,349, C>A on the plus strand (G>T on the coding strand, the complement: WDR4 is on the minus strand). VCF-style: chr21-42862349-C-A. GRCh37 (hg19) VCF-style: chr21-44282459-C-A.
Other names: c.499G>T, p.Glu167Ter (NM_001260474.2, NM_033661.5); c.61G>T, p.Glu21Ter (NM_001260475.2, NM_001260476.2, NM_001260477.2 and 1 more transcripts); short protein forms E21*, E167*.
Identifiers: ClinVar variation 2848231 (VCV002848231.3), dbSNP rs765059645, ClinGen allele CA410392564.
Genomic context (GRCh38, chr21:42,862,349, plus strand): 5'-GCCCCAAGCAGAAGGACTCGATGCTATGGGGCGCCGCGGCCCAGCTGACTCGGATCTTCT[C>A]GTCCCGGTCGGCAGTGAGGATGAAGCGGTCATCAGGACTCACAGCCTGCATCACCAGGGG-3'

ClinVar aggregate classification (germline): Pathogenic (1 of 4 stars; one submission).

Allele frequency attached by ClinVar (database versions not stated): gnomAD 0.00001; TOPMed 0.00001.
gnomAD v4.1: 3 of 1,611,538 alleles (0.00019%); highest among the groups gnomAD compares: African/African-American, 0.004%; no homozygotes.

Submission:

Labcorp Genetics (formerly Invitae), Labcorp
Classification: Pathogenic. Last evaluated: 2023-03-28. Review status: criteria provided, single submitter. Criteria: Invitae Variant Classification Sherloc (09022015). Collection method: clinical testing. Allele origin: germline.
Comment: For these reasons, this variant has been classified as Pathogenic. This variant has not been reported in the literature in individuals affected with WDR4-related conditions. This variant is present in population databases (no rsID available, gnomAD 0.009%). This sequence change creates a premature translational stop signal (p.Glu167*) in the WDR4 gene. It is expected to result in an absent or disrupted protein product. Loss-of-function variants in WDR4 are known to be pathogenic (PMID: 29597095, 30079490).

Literature cited by the submitters: PubMed 29597095; PubMed 30079490.